The following is an entry in ClinVar:

NM_001378609.3(OTOGL):c.2518+18G>A

Gene: OTOGL (otogelin like; plus strand). Cytogenetic location: 12q21.31.
Variant type: single nucleotide variant.
Coding change: c.2518+18G>A on transcript NM_001378609.3 (MANE Select); 18 bases into the intron after coding-DNA position 2518, G replaced by A.
Molecular consequence: intron variant.
Genome position (GRCh38, 1-based): chr12:80,270,172, G>A. VCF-style: chr12-80270172-G-A. GRCh37 (hg19) VCF-style: chr12-80663952-G-A.
Other names: c.2518+18G>A (NM_001368062.3, NM_001378610.3, NM_173591.7).
Identifiers: ClinVar variation 682673 (VCV000682673.10), dbSNP rs11114378, ClinGen allele CA6700827.

ClinVar aggregate classification (germline): Benign. Review status: criteria provided, multiple submitters, no conflicts (2 of 4 stars). 3 submissions from 3 submitters: Benign (3). Last evaluated 2026-02-04.

Allele frequency attached by ClinVar (database versions not stated): ExAC 0.08744; gnomAD exomes 0.09217 and 0.07694; 1000 Genomes Project 0.04712; 1000 Genomes Project 30x 0.04841; TOPMed 0.07286; gnomAD 0.07322 and 0.07364; ESP Exome Variant Server 0.08010.
gnomAD v4.1: 142,575 of 1,580,344 alleles (9%); highest among the groups gnomAD compares: Middle Eastern, 15%; 7,074 homozygotes.

Submissions (3):

Labcorp Genetics (formerly Invitae), Labcorp
Classification: Benign. Last evaluated: 2026-02-04. Review status: criteria provided, single submitter. Criteria: Invitae Variant Classification Sherloc (09022015). Collection method: clinical testing. Allele origin: germline.

GeneDx
Classification: Benign. Last evaluated: 2018-06-14. Review status: criteria provided, single submitter. Criteria: GeneDx Variant Classification (06012015). Collection method: clinical testing. Allele origin: germline. Affected: yes.
Comment: This variant is considered likely benign or benign based on one or more of the following criteria: it is a conservative change, it occurs at a poorly conserved position in the protein, it is predicted to be benign by multiple in silico algorithms, and/or has population frequency not consistent with disease.

Breakthrough Genomics
Classification: Benign. Review status: criteria provided, single submitter. Criteria: ACMG Guidelines, 2015. Collection method: not provided. Allele origin: germline. Inheritance: Autosomal recessive inheritance. Affected: yes.